The following is an entry in ClinVar:

ClinVar aggregate classification (germline): Uncertain significance (1 of 4 stars; one submission).

Allele frequency attached by ClinVar (database versions not stated): TOPMed below 0.00001.
gnomAD v4.1: 8 of 1,613,176 alleles (0.0005%); highest among the groups gnomAD compares: Admixed American, 0.0033%; no homozygotes.

Submission:

Labcorp Genetics (formerly Invitae), Labcorp
Classification: Uncertain significance. Last evaluated: 2022-04-19. Review status: criteria provided, single submitter. Criteria: Invitae Variant Classification Sherloc (09022015). Collection method: clinical testing. Allele origin: germline.
Comment: This sequence change replaces glutamic acid, which is acidic and polar, with lysine, which is basic and polar, at codon 1032 of the MYO7A protein (p.Glu1032Lys). This variant is present in population databases (no rsID available, gnomAD 0.003%). This variant has not been reported in the literature in individuals affected with MYO7A-related conditions. Advanced modeling of protein sequence and biophysical properties (such as structural, functional, and spatial information, amino acid conservation, physicochemical variation, residue mobility, and thermodynamic stability) performed at Invitae indicates that this missense variant is not expected to disrupt MYO7A protein function. In summary, the available evidence is currently insufficient to determine the role of this variant in disease. Therefore, it has been classified as a Variant of Uncertain Significance.

NM_000260.4(MYO7A):c.3094G>A (p.Glu1032Lys)

Gene: MYO7A (myosin VIIA; plus strand). Cytogenetic location: 11q13.5.
Variant type: single nucleotide variant.
Coding change: c.3094G>A on transcript NM_000260.4 (MANE Select); coding-DNA position 3094, G replaced by A.
Protein change: p.Glu1032Lys; replaces glutamic acid 1032 with lysine.
Molecular consequence: missense variant.
Genome position (GRCh38, 1-based): chr11:77,182,140, G>A. VCF-style: chr11-77182140-G-A. GRCh37 (hg19) VCF-style: chr11-76893186-G-A.
Other names: c.3094G>A, p.Glu1032Lys (NM_001127180.2); c.3061G>A, p.Glu1021Lys (NM_001369365.1); short protein forms E1021K, E1032K.
Identifiers: ClinVar variation 2180935 (VCV002180935.1), dbSNP rs1209629914, ClinGen allele CA381944328.